The following is an entry in ClinVar:

NM_004959.5(NR5A1):c.1308C>G (p.Tyr436Ter)

Gene: NR5A1 (nuclear receptor subfamily 5 group A member 1; minus strand). Cytogenetic location: 9q33.3.
Variant type: single nucleotide variant.
Coding change: c.1308C>G on transcript NM_004959.5 (MANE Select); coding-DNA position 1308, C replaced by G.
Protein change: p.Tyr436Ter; replaces tyrosine 436 with a stop codon.
Molecular consequence: nonsense.
Genome position (GRCh38, 1-based): chr9:124,482,836, G>C on the plus strand (C>G on the coding strand, the complement: NR5A1 is on the minus strand). VCF-style: chr9-124482836-G-C. GRCh37 (hg19) VCF-style: chr9-127245115-G-C.
Other names: short protein forms Y436*.
Identifiers: ClinVar variation 1393547 (VCV001393547.6), dbSNP rs2131269186, ClinGen allele CA374878303.
Genomic context (GRCh38, chr9:124,482,836, plus strand): 5'-CAGCATTTCGATGAGCAGGTTGTTGCGGGGCATCTCGTTGCCCAGGTGCTTGTGGTACAG[G>C]TACTCCTTGGCCTGCATGCTCAGGGCCCGCACCTCCACCAGGCACAGCAGCAGCTGCTGG-3'

ClinVar aggregate classification (germline): Uncertain significance (1 of 4 stars; one submission).

Conditions:
46 XY differences of sex development. Also called: 46, XY disorder of sex development (DSD); 46,XY disorder of sex development. Identifiers: Orphanet 98085, MedGen C2751824, MONDO:0020040.
Oligosynaptic infertility (SPGF1). Also called: SPERMATOGENIC FAILURE 1; OLIGOCHIASMATIC INFERTILITY. Identifiers: MedGen C0403810, MONDO:0009776, OMIM 258150.

Submission:

Labcorp Genetics (formerly Invitae), Labcorp
Classification: Uncertain significance for 46 XY differences of sex development; Oligosynaptic infertility. Last evaluated: 2021-07-08. Review status: criteria provided, single submitter. Criteria: Invitae Variant Classification Sherloc (09022015). Collection method: clinical testing. Allele origin: germline.
Comment: This sequence change creates a premature translational stop signal (p.Tyr436*) in the NR5A1 gene. While this is not anticipated to result in nonsense mediated decay, it is expected to disrupt the last 26 amino acid(s) of the NR5A1 protein. This variant is not present in population databases (ExAC no frequency). This variant has not been reported in the literature in individuals affected with NR5A1-related conditions. Experimental studies and prediction algorithms are not available or were not evaluated, and the functional significance of this variant is currently unknown. In summary, the available evidence is currently insufficient to determine the role of this variant in disease. Therefore, it has been classified as a Variant of Uncertain Significance.